The following is an entry in ClinVar:

NM_001031725.6(DDX59):c.1213A>G (p.Ile405Val)

Gene: DDX59 (DEAD-box helicase 59; minus strand). Cytogenetic location: 1q32.1.
Variant type: single nucleotide variant.
Coding change: c.1213A>G on transcript NM_001031725.6 (MANE Select); coding-DNA position 1213, A replaced by G.
Protein change: p.Ile405Val; replaces isoleucine 405 with valine.
Molecular consequence: missense variant. On other transcripts: intron variant (3).
Genome position (GRCh38, 1-based): chr1:200,650,526, T>C on the plus strand (A>G on the coding strand, the complement: DDX59 is on the minus strand). VCF-style: chr1-200650526-T-C. GRCh37 (hg19) VCF-style: chr1-200619654-T-C.
Other names: c.1213A>G (NM_001031725.4, NM_001031725.5); c.1213A>G, p.Ile405Val (NM_001320181.2, NM_001349799.3, NM_001349800.3 and 2 more transcripts); c.1063-6009A>G (NM_001349804.2); c.1063-1300A>G (NM_001349803.3); c.973-1300A>G (NM_001320182.1); short protein forms I405V.
Identifiers: ClinVar variation 2044854 (VCV002044854.26), dbSNP rs145102433, ClinGen allele CA1318333.
Genomic context (GRCh38, chr1:200,650,526, plus strand): 5'-CTACCCACAAAATAATCTGACGTACATTGGCACAAGGTAGGTTCTTTTCTCCAGTGATAA[T>C]TCTCACAGGATTATGCAGAAGCTGGCTTGCTAGCTGTTCTATGCTAGTTGGAATTGTGGC-3'
Protein context (NP_001026895.2, residues 395-415): ASQLLHNPVR[Ile405Val]ITGEKNLPCA

ClinVar aggregate classification (germline): Conflicting classifications of pathogenicity. Review status: criteria provided, conflicting classifications (1 of 4 stars). 4 submissions from 4 submitters: Uncertain significance (1); Likely benign (2). 1 of the submissions does not count toward it. Last evaluated 2024-09-08.

Conditions:
DDX59-related disorder. Also called: DDX59-related condition.
Inborn genetic diseases. Identifiers: MedGen C0950123, MeSH D030342.

Allele frequency attached by ClinVar (database versions not stated): TOPMed 0.00076; gnomAD 0.00079; ExAC 0.00097; ESP Exome Variant Server 0.00131; gnomAD exomes 0.00172.
gnomAD v4.1: 2,589 of 1,614,094 alleles (0.16%); highest among the groups gnomAD compares: Non-Finnish European, 0.21%; 3 homozygotes.

Submissions (4):

Ambry Genetics
Classification: Likely benign for Inborn genetic diseases. Last evaluated: 2024-09-08. Review status: criteria provided, single submitter. Criteria: Ambry Variant Classification Scheme 2023. Collection method: clinical testing. Allele origin: germline.

CeGaT Center for Human Genetics Tuebingen
Classification: Likely benign. Last evaluated: 2023-11-01. Review status: criteria provided, single submitter. Criteria: CeGaT Center For Human Genetics Tuebingen Variant Classification Criteria Version 2. Collection method: clinical testing. Allele origin: germline. Affected: yes. Observed: 1 variant allele.
Comment: DDX59: BP4

Labcorp Genetics (formerly Invitae), Labcorp
Classification: Uncertain significance. Last evaluated: 2022-08-23. Review status: criteria provided, single submitter. Criteria: Invitae Variant Classification Sherloc (09022015). Collection method: clinical testing. Allele origin: germline.
Comment: This sequence change replaces isoleucine, which is neutral and non-polar, with valine, which is neutral and non-polar, at codon 405 of the DDX59 protein (p.Ile405Val). This variant is present in population databases (rs145102433, gnomAD 0.2%), and has an allele count higher than expected for a pathogenic variant. This variant has not been reported in the literature in individuals affected with DDX59-related conditions. Algorithms developed to predict the effect of missense changes on protein structure and function output the following: SIFT: "Not Available"; PolyPhen-2: "Benign"; Align-GVGD: "Not Available". The valine amino acid residue is found in multiple mammalian species, which suggests that this missense change does not adversely affect protein function. In summary, the available evidence is currently insufficient to determine the role of this variant in disease. Therefore, it has been classified as a Variant of Uncertain Significance.

PreventionGenetics, part of Exact Sciences
Classification: Likely benign for DDX59-related condition. Last evaluated: 2022-02-09. Review status: no assertion criteria provided. Collection method: clinical testing. Allele origin: germline. Not counted in ClinVar's aggregate classification.
Comment: This variant is classified as likely benign based on ACMG/AMP sequence variant interpretation guidelines (Richards et al. 2015 PMID: 25741868, with internal and published modifications).